The following is an entry in ClinVar:

NM_007078.3(LDB3):c.1339C>A (p.Pro447Thr)

Gene: LDB3 (LIM domain binding 3; plus strand). Cytogenetic location: 10q23.2.
Variant type: single nucleotide variant.
Coding change: c.1339C>A on transcript NM_007078.3 (MANE Select); coding-DNA position 1339, C replaced by A.
Protein change: p.Pro447Thr; replaces proline 447 with threonine.
Molecular consequence: missense variant.
Genome position (GRCh38, 1-based): chr10:86,716,434, C>A. VCF-style: chr10-86716434-C-A. GRCh37 (hg19) VCF-style: chr10-88476191-C-A.
Other names: c.1009C>A, p.Pro337Thr (NM_001080114.2); c.1354C>A, p.Pro452Thr (NM_001171610.2); c.1150C>A, p.Pro384Thr (NM_001368064.1, NM_001368065.1); c.1198C>A, p.Pro400Thr (NM_001368066.1); short protein forms P337T, P384T, P400T, P447T, P452T.
Identifiers: ClinVar variation 4097079 (VCV004097079.1).

ClinVar aggregate classification (germline): Uncertain significance (1 of 4 stars; one submission).

Conditions:
Cardiovascular phenotype. Identifiers: MedGen CN230736.

gnomAD v4.1: 1 of 1,578,186 alleles (0.000063%); highest among the groups gnomAD compares: Non-Finnish European, 0.000086%; no homozygotes.

Submission:

Ambry Genetics
Classification: Uncertain significance for Cardiovascular phenotype. Last evaluated: 2025-08-03. Review status: criteria provided, single submitter. Criteria: Ambry Variant Classification Scheme 2023. Collection method: clinical testing. Allele origin: germline.
Comment: The p.P447T variant (also known as c.1339C>A), located in coding exon 9 of the LDB3 gene, results from a C to A substitution at nucleotide position 1339. The proline at codon 447 is replaced by threonine, an amino acid with highly similar properties. This amino acid position is conserved. In addition, this alteration is predicted to be tolerated by in silico analysis. Based on the available evidence, the clinical significance of this variant remains unclear.